The following is an entry in ClinVar:

NM_006904.7(PRKDC):c.5513A>G (p.Glu1838Gly)

Gene: PRKDC (protein kinase, DNA-activated, catalytic subunit; minus strand). Cytogenetic location: 8q11.21.
Variant type: single nucleotide variant.
Coding change: c.5513A>G on transcript NM_006904.7 (MANE Select); coding-DNA position 5513, A replaced by G.
Protein change: p.Glu1838Gly; replaces glutamic acid 1838 with glycine.
Molecular consequence: missense variant.
Genome position (GRCh38, 1-based): chr8:47,864,614, T>C on the plus strand (A>G on the coding strand, the complement: PRKDC is on the minus strand). VCF-style: chr8-47864614-T-C. GRCh37 (hg19) VCF-style: chr8-48777175-T-C.
Other names: c.5513A>G, p.Glu1838Gly (NM_001081640.2); short protein forms E1838G.
Identifiers: ClinVar variation 2449911 (VCV002449911.2), dbSNP rs2551871012, ClinGen allele CA371163401.

ClinVar aggregate classification (germline): Uncertain significance (1 of 4 stars; one submission).

Submission:

Ambry Genetics
Classification: Uncertain significance. Last evaluated: 2023-03-14. Review status: criteria provided, single submitter. Criteria: Ambry Variant Classification Scheme 2023. Collection method: clinical testing. Allele origin: germline.
Comment: The p.E1838G variant (also known as c.5513A>G), located in coding exon 41 of the PRKDC gene, results from an A to G substitution at nucleotide position 5513. The glutamic acid at codon 1838 is replaced by glycine, an amino acid with similar properties. This amino acid position is conserved. Since supporting evidence is limited at this time, the clinical significance of this alteration remains unclear.